The following is an entry in ClinVar:

ClinVar aggregate classification (germline): Uncertain significance (1 of 4 stars; one submission).

Allele frequency attached by ClinVar (database versions not stated): gnomAD exomes below 0.00001.
gnomAD v4.1: 2 of 1,614,146 alleles (0.00012%); no homozygotes.

Submission:

Labcorp Genetics (formerly Invitae), Labcorp
Classification: Uncertain significance. Last evaluated: 2024-02-19. Review status: criteria provided, single submitter. Criteria: Invitae Variant Classification Sherloc (09022015). Collection method: clinical testing. Allele origin: germline.
Comment: This sequence change replaces methionine, which is neutral and non-polar, with isoleucine, which is neutral and non-polar, at codon 229 of the SNRNP200 protein (p.Met229Ile). This variant is not present in population databases (gnomAD no frequency). This variant has not been reported in the literature in individuals affected with SNRNP200-related conditions. ClinVar contains an entry for this variant (Variation ID: 955830). Advanced modeling of protein sequence and biophysical properties (such as structural, functional, and spatial information, amino acid conservation, physicochemical variation, residue mobility, and thermodynamic stability) has been performed at Invitae for this missense variant, however the output from this modeling did not meet the statistical confidence thresholds required to predict the impact of this variant on SNRNP200 protein function. In summary, the available evidence is currently insufficient to determine the role of this variant in disease. Therefore, it has been classified as a Variant of Uncertain Significance.

NM_014014.5(SNRNP200):c.687G>C (p.Met229Ile)

Gene: SNRNP200 (small nuclear ribonucleoprotein U5 subunit 200; minus strand). Cytogenetic location: 2q11.2.
Variant type: single nucleotide variant.
Coding change: c.687G>C on transcript NM_014014.5 (MANE Select); coding-DNA position 687, G replaced by C.
Protein change: p.Met229Ile; replaces methionine 229 with isoleucine.
Molecular consequence: missense variant.
Genome position (GRCh38, 1-based): chr2:96,299,371, C>G on the plus strand (G>C on the coding strand, the complement: SNRNP200 is on the minus strand). VCF-style: chr2-96299371-C-G. GRCh37 (hg19) VCF-style: chr2-96965109-C-G.
Other names: short protein forms M229I.
Identifiers: ClinVar variation 955830 (VCV000955830.9), dbSNP rs1558771619, ClinGen allele CA347685976.